The following is an entry in ClinVar:

ClinVar aggregate classification (germline): Conflicting classifications of pathogenicity. Review status: criteria provided, conflicting classifications (1 of 4 stars). 5 submissions from 4 submitters: Uncertain significance (1); Benign (4). Last evaluated 2026-01-08.

Conditions:
Waardenburg syndrome. Also called: Waardenburg's syndrome. Identifiers: Orphanet 3440, MedGen C3266898, MONDO:0018094.
Usher syndrome. Also called: Usher's syndrome; Usher Syndromes. Identifiers: Orphanet 886, MedGen CN469326, MeSH D052245, MONDO:0019501. Disease mechanism: loss of function.
Craniofacial-deafness-hand syndrome (CDHS). Identifiers: Orphanet 1529, MedGen C1852510, MONDO:0007395, OMIM 122880.

Allele frequency attached by ClinVar (database versions not stated): gnomAD 0.00001 and 0.00051; ESP Exome Variant Server 0.00008; TOPMed 0.00010; gnomAD exomes 0.00074 and 0.00150; ExAC 0.00152; 1000 Genomes Project 30x 0.00515; 1000 Genomes Project 0.00539.
gnomAD v4.1: 1,169 of 1,614,090 alleles (0.072%); highest among the groups gnomAD compares: South Asian, 1.2%; 20 homozygotes.

Submissions (5):

Labcorp Genetics (formerly Invitae), Labcorp
Classification: Benign. Last evaluated: 2026-01-08. Review status: criteria provided, single submitter. Criteria: Invitae Variant Classification Sherloc (09022015). Collection method: clinical testing. Allele origin: germline.

Illumina Laboratory Services, Illumina
Classification: Benign for Craniofacial-deafness-hand syndrome. Last evaluated: 2018-01-13. Review status: criteria provided, single submitter. Criteria: ICSL Variant Classification Criteria 13 December 2019. Collection method: clinical testing. Allele origin: germline.
Comment: This variant was observed in the ICSL laboratory as part of a predisposition screen in an ostensibly healthy population. It had not been previously curated by ICSL or reported in the Human Gene Mutation Database (HGMD: prior to June 1st, 2018), and was therefore a candidate for classification through an automated scoring system. Utilizing variant allele frequency, disease prevalence and penetrance estimates, and inheritance mode, an automated score was calculated to assess if this variant is too frequent to cause the disease. Based on the score and internal cut-off values, a variant classified as benign is not then subjected to further curation. The score for this variant resulted in a classification of benign for this disease.

Illumina Laboratory Services, Illumina
Classification: Benign for Waardenburg syndrome. Last evaluated: 2018-01-13. Review status: criteria provided, single submitter. Criteria: ICSL Variant Classification Criteria 13 December 2019. Collection method: clinical testing. Allele origin: germline.
Comment: the same text as in the submission from Illumina Laboratory Services, Illumina above.

Laboratory for Molecular Medicine, Mass General Brigham Personalized Medicine
Classification: Benign. Last evaluated: 2016-03-20. Review status: criteria provided, single submitter. Criteria: LMM Criteria. Collection method: clinical testing. Allele origin: germline. Observed: 1 variant allele.
Comment: p.Pro334Ser in exon 7 of PAX3: This variant is not expected to have clinical sig nificance because it has been identified in 1.1% (182/16510) of South Asian chro mosomes by the Exome Aggregation Consortium (ExAC, g; dbSNP rs151199924).

SN ONGC Dept of Genetics and Molecular biology Vision Research Foundation
Classification: Uncertain significance for Usher syndrome. Review status: criteria provided, single submitter. Criteria: ACMG Guidelines, 2015. Collection method: research. Allele origin: unknown. Affected: yes. Observed: 2 variant alleles, 2 homozygotes.

NM_181458.4(PAX3):c.1003C>T (p.Pro335Ser)

Genes: PAX3 (paired box 3; minus strand), LOC126806529 (CDK7 strongly-dependent group 2 enhancer GRCh37_chr2:223084735-223085934; plus strand). Cytogenetic location: 2q36.1.
Variant type: single nucleotide variant.
Coding change: c.1003C>T on transcript NM_181458.4 (MANE Select); coding-DNA position 1003, C replaced by T.
Protein change: p.Pro335Ser; replaces proline 335 with serine.
Molecular consequence: missense variant.
Genome position (GRCh38, 1-based): chr2:222,220,310, G>A on the plus strand (C>T on the coding strand, the complement: PAX3 is on the minus strand). VCF-style: chr2-222220310-G-A. GRCh37 (hg19) VCF-style: chr2-223085029-G-A.
Other names: c.1000C>T, p.Pro334Ser (NM_001127366.3); c.1003C>T, p.Pro335Ser (NM_181457.4, NM_181459.4, NM_181460.4 and 1 more transcripts); short protein forms P334S, P335S.
Identifiers: ClinVar variation 226993 (VCV000226993.40), dbSNP rs151199924, ClinGen allele CA2135519.